The following is an entry in ClinVar:

NM_032816.5(CEP89):c.436C>T (p.Arg146Trp)

Gene: CEP89 (centrosomal protein 89; minus strand). Cytogenetic location: 19q13.11.
Variant type: single nucleotide variant.
Coding change: c.436C>T on transcript NM_032816.5 (MANE Select); coding-DNA position 436, C replaced by T.
Protein change: p.Arg146Trp; replaces arginine 146 with tryptophan.
Molecular consequence: missense variant.
Genome position (GRCh38, 1-based): chr19:32,953,671, G>A on the plus strand (C>T on the coding strand, the complement: CEP89 is on the minus strand). VCF-style: chr19-32953671-G-A. GRCh37 (hg19) VCF-style: chr19-33444577-G-A.
Other names: short protein forms R146W.
Identifiers: ClinVar variation 2917703 (VCV002917703.3), dbSNP rs766124401, ClinGen allele CA9359687.
Genomic context (GRCh38, chr19:32,953,671, plus strand): 5'-ACACCTGATTTCTGTGTGGCACAGCGTACAGGTCATCACTGTGGCCTCCTCTGTCCTCCC[G>A]GGCACTGACATCCCCCAATTCCTTGCCGCTGGATGACAGCTGAGTTTCAATGTCCTCTTC-3'
Protein context (NP_116205.3, residues 136-156): SGKELGDVSA[Arg146Trp]EDRGGHSDDL

ClinVar aggregate classification (germline): Uncertain significance (1 of 4 stars; one submission).

Allele frequency attached by ClinVar (database versions not stated): gnomAD exomes below 0.00001; TOPMed below 0.00001; gnomAD 0.00001.
gnomAD v4.1: 6 of 1,613,812 alleles (0.00037%); highest among the groups gnomAD compares: East Asian, 0.0022%; no homozygotes.

Submission:

Labcorp Genetics (formerly Invitae), Labcorp
Classification: Uncertain significance. Last evaluated: 2023-02-25. Review status: criteria provided, single submitter. Criteria: Invitae Variant Classification Sherloc (09022015). Collection method: clinical testing. Allele origin: germline.
Comment: In summary, the available evidence is currently insufficient to determine the role of this variant in disease. Therefore, it has been classified as a Variant of Uncertain Significance. Algorithms developed to predict the effect of missense changes on protein structure and function output the following: SIFT: "Not Available"; PolyPhen-2: "Benign"; Align-GVGD: "Not Available". The tryptophan amino acid residue is found in multiple mammalian species, which suggests that this missense change does not adversely affect protein function. This variant has not been reported in the literature in individuals affected with CEP89-related conditions. This variant is present in population databases (rs766124401, gnomAD 0.002%). This sequence change replaces arginine, which is basic and polar, with tryptophan, which is neutral and slightly polar, at codon 146 of the CEP89 protein (p.Arg146Trp).